The following is an entry in ClinVar:

NM_004260.4(RECQL4):c.2962G>T (p.Asp988Tyr)

Gene: RECQL4 (RecQ like helicase 4; minus strand). Cytogenetic location: 8q24.3.
Variant type: single nucleotide variant.
Coding change: c.2962G>T on transcript NM_004260.4 (MANE Select); coding-DNA position 2962, G replaced by T.
Protein change: p.Asp988Tyr; replaces aspartic acid 988 with tyrosine.
Molecular consequence: missense variant.
Genome position (GRCh38, 1-based): chr8:144,512,485, C>A on the plus strand (G>T on the coding strand, the complement: RECQL4 is on the minus strand). VCF-style: chr8-144512485-C-A. GRCh37 (hg19) VCF-style: chr8-145737868-C-A.
Other names: short protein forms D988Y.
Identifiers: ClinVar variation 652992 (VCV000652992.8), dbSNP rs1554896950, ClinGen allele CA372673135.
Genomic context (GRCh38, chr8:144,512,485, plus strand): 5'-AGAGAGCCCGCCGCACAGAGGCCAGCTCCCAGCCCATGGAGTCCACCAGCTTGACCATGT[C>A]AAACTCCACGGAGCTGCTGCCTTGCCCTGGGTCCTCAGGCAGCTGCTGGGCCAAGCACAC-3'
Protein context (NP_004251.4, residues 978-998): PGQGSSSVEF[Asp988Tyr]MVKLVDSMGW

ClinVar aggregate classification (germline): Uncertain significance. Review status: criteria provided, multiple submitters, no conflicts (2 of 4 stars). 2 submissions from 2 submitters: Uncertain significance (2). Last evaluated 2025-01-15.

Conditions:
Baller-Gerold syndrome (BGS). Also called: CRANIOSYNOSTOSIS WITH RADIAL DEFECTS. Identifiers: Orphanet 1225, MedGen C0265308, MONDO:0009039, OMIM 218600.
RECQL4-related disorder. Also called: RECQL4-related disorders; RECQL4-related condition.

Submissions (2):

PreventionGenetics, part of Exact Sciences
Classification: Uncertain significance for RECQL4-related condition. Last evaluated: 2025-01-15. Review status: criteria provided, single submitter. Criteria: ACMG Guidelines, 2015. Collection method: clinical testing. Allele origin: germline.
Comment: The RECQL4 c.2962G>T variant is predicted to result in the amino acid substitution p.Asp988Tyr. To our knowledge, this variant has not been reported in the literature or in a large population database (gnomAD), indicating this variant is rare. At this time, the clinical significance of this variant is uncertain due to the absence of conclusive functional and genetic evidence.

Labcorp Genetics (formerly Invitae), Labcorp
Classification: Uncertain significance for Baller-Gerold syndrome. Last evaluated: 2024-06-16. Review status: criteria provided, single submitter. Criteria: Invitae Variant Classification Sherloc (09022015). Collection method: clinical testing. Allele origin: germline.
Comment: This sequence change replaces aspartic acid, which is acidic and polar, with tyrosine, which is neutral and polar, at codon 988 of the RECQL4 protein (p.Asp988Tyr). This variant is not present in population databases (gnomAD no frequency). This variant has not been reported in the literature in individuals affected with RECQL4-related conditions. ClinVar contains an entry for this variant (Variation ID: 652992). Advanced modeling of protein sequence and biophysical properties (such as structural, functional, and spatial information, amino acid conservation, physicochemical variation, residue mobility, and thermodynamic stability) performed at Invitae indicates that this missense variant is expected to disrupt RECQL4 protein function with a positive predictive value of 80%. In summary, the available evidence is currently insufficient to determine the role of this variant in disease. Therefore, it has been classified as a Variant of Uncertain Significance.